The following is an entry in ClinVar:

NM_007325.5(GRIA3):c.268+16792G>A

Gene: GRIA3 (glutamate ionotropic receptor AMPA type subunit 3; plus strand). Cytogenetic location: Xq25.
Variant type: single nucleotide variant.
Coding change: c.268+16792G>A on transcript NM_007325.5 (MANE Select); 16792 bases into the intron after coding-DNA position 268, G replaced by A.
Molecular consequence: intron variant. On other transcripts: missense variant (1).
Genome position (GRCh38, 1-based): chrX:123,202,782, G>A. VCF-style: chrX-123202782-G-A. GRCh37 (hg19) VCF-style: chrX-122336633-G-A.
Other names: c.415G>A, p.Gly139Ser (NM_001256743.2); c.268+16792G>A (NM_000828.5); short protein forms G139S.
Identifiers: ClinVar variation 1031666 (VCV001031666.1), dbSNP rs1927781157, ClinGen allele CA414256919.

ClinVar aggregate classification (germline): Uncertain significance (1 of 4 stars; one submission).

Conditions:
Syndromic X-linked intellectual disability 94 (MRXSW). Also called: MENTAL RETARDATION, X-LINKED, SYNDROMIC 29; X-linked intellectual disability due to GRIA3 anomalies. Identifiers: Orphanet 364028, MedGen C2678051, MONDO:0010402, OMIM 300699.

Allele frequency attached by ClinVar (database versions not stated): gnomAD exomes below 0.00001.
gnomAD v4.1: 1 of 1,162,785 alleles (0.000086%); highest among the groups gnomAD compares: South Asian, 0.0019%; no homozygotes.

Submission:

Baylor Genetics
Classification: Uncertain significance for Syndromic X-linked intellectual disability 94. Last evaluated: 2018-04-11. Review status: criteria provided, single submitter. Criteria: ACMG Guidelines, 2015. Collection method: clinical testing. Allele origin: maternal. Affected: yes.
Comment: This variant was determined to be of uncertain significance according to ACMG Guidelines, 2015 [PMID:25741868].